The following is an entry in ClinVar:

ClinVar aggregate classification (germline): Uncertain significance. Review status: criteria provided, multiple submitters, no conflicts (2 of 4 stars). 2 submissions from 2 submitters: Uncertain significance (2). Last evaluated 2023-01-14.

Conditions:
Hereditary cancer-predisposing syndrome. Also called: Neoplastic Syndromes, Hereditary; Tumor predisposition; Hereditary Cancer Syndrome; Hereditary neoplastic syndrome. Identifiers: Orphanet 140162, MedGen C0027672, MeSH D009386, MONDO:0015356.

Allele frequency attached by ClinVar (database versions not stated): gnomAD exomes below 0.00001.

Submissions (2):

Labcorp Genetics (formerly Invitae), Labcorp
Classification: Uncertain significance for Hereditary cancer-predisposing syndrome. Last evaluated: 2023-01-14. Review status: criteria provided, single submitter. Criteria: Invitae Variant Classification Sherloc (09022015). Collection method: clinical testing. Allele origin: germline.
Comment: This sequence change replaces serine, which is neutral and polar, with proline, which is neutral and non-polar, at codon 623 of the RAD50 protein (p.Ser623Pro). In summary, the available evidence is currently insufficient to determine the role of this variant in disease. Therefore, it has been classified as a Variant of Uncertain Significance. Advanced modeling of protein sequence and biophysical properties (such as structural, functional, and spatial information, amino acid conservation, physicochemical variation, residue mobility, and thermodynamic stability) performed at Invitae indicates that this missense variant is expected to disrupt RAD50 protein function. ClinVar contains an entry for this variant (Variation ID: 482156). This variant has not been reported in the literature in individuals affected with RAD50-related conditions. This variant is not present in population databases (gnomAD no frequency).

Ambry Genetics
Classification: Uncertain significance for Hereditary cancer-predisposing syndrome. Last evaluated: 2017-07-28. Review status: criteria provided, single submitter. Criteria: Ambry Variant Classification Scheme 2023. Collection method: clinical testing. Allele origin: germline.
Comment: The p.S623P variant (also known as c.1867T>C), located in coding exon 12 of the RAD50 gene, results from a T to C substitution at nucleotide position 1867. The serine at codon 623 is replaced by proline, an amino acid with similar properties. This amino acid position is not well conserved in available vertebrate species. In addition, this alteration is predicted to be tolerated by in silico analysis. Since supporting evidence is limited at this time, the clinical significance of this alteration remains unclear.

NM_005732.4(RAD50):c.1867T>C (p.Ser623Pro)

Gene: RAD50 (RAD50 double strand break repair protein; plus strand). Cytogenetic location: 5q31.1.
Variant type: single nucleotide variant.
Coding change: c.1867T>C on transcript NM_005732.4 (MANE Select); coding-DNA position 1867, T replaced by C.
Protein change: p.Ser623Pro; replaces serine 623 with proline.
Molecular consequence: missense variant.
Genome position (GRCh38, 1-based): chr5:132,594,942, T>C. VCF-style: chr5-132594942-T-C. GRCh37 (hg19) VCF-style: chr5-131930634-T-C.
Other names: short protein forms S623P.
Identifiers: ClinVar variation 482156 (VCV000482156.15), dbSNP rs1554098592, ClinGen allele CA360947853.